The following is an entry in ClinVar:

ClinVar aggregate classification (germline): Uncertain significance. Review status: criteria provided, multiple submitters, no conflicts (2 of 4 stars). 3 submissions from 3 submitters: Uncertain significance (3). Last evaluated 2025-05-15.

Conditions:
Inborn genetic diseases. Identifiers: MedGen C0950123, MeSH D030342.

Allele frequency attached by ClinVar (database versions not stated): gnomAD exomes 0.00001 and 0.00002; ExAC 0.00002; gnomAD 0.00002; TOPMed 0.00002; ESP Exome Variant Server 0.00008.
gnomAD v4.1: 12 of 1,613,382 alleles (0.00074%); highest among the groups gnomAD compares: Non-Finnish European, 0.001%; no homozygotes.

Submissions (3):

Ambry Genetics
Classification: Uncertain significance for Inborn genetic diseases. Last evaluated: 2025-05-15. Review status: criteria provided, single submitter. Criteria: Ambry Variant Classification Scheme 2023. Collection method: clinical testing. Allele origin: germline.

Labcorp Genetics (formerly Invitae), Labcorp
Classification: Uncertain significance. Last evaluated: 2023-06-09. Review status: criteria provided, single submitter. Criteria: Invitae Variant Classification Sherloc (09022015). Collection method: clinical testing. Allele origin: germline.
Comment: Advanced modeling of protein sequence and biophysical properties (such as structural, functional, and spatial information, amino acid conservation, physicochemical variation, residue mobility, and thermodynamic stability) has been performed at Invitae for this missense variant, however the output from this modeling did not meet the statistical confidence thresholds required to predict the impact of this variant on CNGA3 protein function. ClinVar contains an entry for this variant (Variation ID: 1475944). This variant has not been reported in the literature in individuals affected with CNGA3-related conditions. This variant is present in population databases (rs370799365, gnomAD 0.003%). This sequence change replaces proline, which is neutral and non-polar, with serine, which is neutral and polar, at codon 178 of the CNGA3 protein (p.Pro178Ser). In summary, the available evidence is currently insufficient to determine the role of this variant in disease. Therefore, it has been classified as a Variant of Uncertain Significance.

Blueprint Genetics
Classification: Uncertain significance. Last evaluated: 2022-11-15. Review status: criteria provided, single submitter. Criteria: ACMG Guidelines, 2015. Collection method: clinical testing. Allele origin: germline.

NM_001298.3(CNGA3):c.532C>T (p.Pro178Ser)

Gene: CNGA3 (cyclic nucleotide gated channel subunit alpha 3; plus strand). Cytogenetic location: 2q11.2.
Variant type: single nucleotide variant.
Coding change: c.532C>T on transcript NM_001298.3 (MANE Select); coding-DNA position 532, C replaced by T.
Protein change: p.Pro178Ser; replaces proline 178 with serine.
Molecular consequence: missense variant.
Genome position (GRCh38, 1-based): chr2:98,389,740, C>T. VCF-style: chr2-98389740-C-T. GRCh37 (hg19) VCF-style: chr2-99006203-C-T.
Other names: c.532C>T (NM_001298.2); c.478C>T, p.Pro160Ser (NM_001079878.2); short protein forms P178S, P160S.
Identifiers: ClinVar variation 1475944 (VCV001475944.8), dbSNP rs370799365, ClinGen allele CA1793784.
Genomic context (GRCh38, chr2:98,389,740, plus strand): 5'-GCGATCGTGGTGGACCCGTCCAGCAACCTGTACTACCGCTGGCTGACCGCCATCGCCCTG[C>T]CTGTCTTCTATAACTGGTATCTGCTTATTTGCAGGTAAGCGACAGGGGTGGAAGGTGCAG-3'
Protein context (NP_001289.1, residues 168-188): YYRWLTAIAL[Pro178Ser]VFYNWYLLIC